The following is an entry in ClinVar:

ClinVar aggregate classification (germline): Uncertain significance (1 of 4 stars; one submission).

Submission:

Labcorp Genetics (formerly Invitae), Labcorp
Classification: Uncertain significance. Last evaluated: 2025-06-11. Review status: criteria provided, single submitter. Criteria: Invitae Variant Classification Sherloc (09022015). Collection method: clinical testing. Allele origin: germline.
Comment: This sequence change replaces methionine, which is neutral and non-polar, with leucine, which is neutral and non-polar, at codon 215 of the HK1 protein (p.Met215Leu). This variant is not present in population databases (gnomAD no frequency). This variant has not been reported in the literature in individuals affected with HK1-related conditions. Invitae Evidence Modeling of protein sequence and biophysical properties (such as structural, functional, and spatial information, amino acid conservation, physicochemical variation, residue mobility, and thermodynamic stability) indicates that this missense variant is not expected to disrupt HK1 protein function with a negative predictive value of 80%. In summary, the available evidence is currently insufficient to determine the role of this variant in disease. Therefore, it has been classified as a Variant of Uncertain Significance.

NM_000188.3(HK1):c.643A>T (p.Met215Leu)

Gene: HK1 (hexokinase 1; plus strand). Cytogenetic location: 10q22.1.
Variant type: single nucleotide variant.
Coding change: c.643A>T on transcript NM_000188.3 (MANE Select); coding-DNA position 643, A replaced by T.
Protein change: p.Met215Leu; replaces methionine 215 with leucine.
Molecular consequence: missense variant. On other transcripts: 5 prime UTR variant (2), non-coding transcript variant (2).
Genome position (GRCh38, 1-based): chr10:69,369,288, A>T. VCF-style: chr10-69369288-A-T. GRCh37 (hg19) VCF-style: chr10-71129044-A-T.
Other names: c.655A>T, p.Met219Leu (NM_001322364.2, NM_001358263.1, NM_033497.3 and 1 more transcripts); c.748A>T, p.Met250Leu (NM_001322365.2); c.559A>T, p.Met187Leu (NM_001322366.1, NM_001441143.1); c.547A>T, p.Met183Leu (NM_001322367.1); c.643A>T, p.Met215Leu (NM_001441139.1, NM_001441141.1, NM_001441145.1 and 3 more transcripts); c.634A>T, p.Met212Leu (NM_001441140.1); c.601A>T, p.Met201Leu (NM_001441142.1); c.523A>T, p.Met175Leu (NM_001441144.1); and 7 more; short protein forms M219L, M187L, M214L, M250L, M183L, M203L, M212L, M93L.
Identifiers: ClinVar variation 4745083 (VCV004745083.1).